The following is an entry in ClinVar:

NM_206933.4(USH2A):c.4850C>T (p.Ala1617Val)

Gene: USH2A (usherin; minus strand). Cytogenetic location: 1q41.
Variant type: single nucleotide variant.
Coding change: c.4850C>T on transcript NM_206933.4 (MANE Select); coding-DNA position 4850, C replaced by T.
Protein change: p.Ala1617Val; replaces alanine 1617 with valine.
Molecular consequence: missense variant.
Genome position (GRCh38, 1-based): chr1:216,089,048, G>A on the plus strand (C>T on the coding strand, the complement: USH2A is on the minus strand). VCF-style: chr1-216089048-G-A. GRCh37 (hg19) VCF-style: chr1-216262390-G-A.
Other names: short protein forms A1617V.
Identifiers: ClinVar variation 857584 (VCV000857584.9), dbSNP rs868179223, ClinGen allele CA37449118.

ClinVar aggregate classification (germline): Uncertain significance. Review status: criteria provided, multiple submitters, no conflicts (2 of 4 stars). 4 submissions from 4 submitters: Uncertain significance (3). 1 of the submissions does not count toward it. Last evaluated 2024-10-06.

Conditions:
Inborn genetic diseases. Identifiers: MedGen C0950123, MeSH D030342.
Usher syndrome type 2A. Also called: RETINAL DISEASE IN USHER SYNDROME TYPE IIA, MODIFIER OF; USHER SYNDROME, TYPE IIA. Identifiers: Orphanet 231178, Orphanet 886, MedGen C1848634, MONDO:0010169, OMIM 276901.

Allele frequency attached by ClinVar (database versions not stated): gnomAD exomes below 0.00001; TOPMed 0.00004; gnomAD 0.00007 and 0.00008.
gnomAD v4.1: 12 of 1,613,344 alleles (0.00074%); highest among the groups gnomAD compares: African/African-American, 0.016%; no homozygotes.

Submissions (4):

Ambry Genetics
Classification: Uncertain significance for Inborn genetic diseases. Last evaluated: 2024-10-06. Review status: criteria provided, single submitter. Criteria: Ambry Variant Classification Scheme 2023. Collection method: clinical testing. Allele origin: germline.

Labcorp Genetics (formerly Invitae), Labcorp
Classification: Uncertain significance. Last evaluated: 2022-10-18. Review status: criteria provided, single submitter. Criteria: Invitae Variant Classification Sherloc (09022015). Collection method: clinical testing. Allele origin: germline.
Comment: This sequence change replaces alanine, which is neutral and non-polar, with valine, which is neutral and non-polar, at codon 1617 of the USH2A protein (p.Ala1617Val). The frequency data for this variant in the population databases is considered unreliable, as metrics indicate poor data quality at this position in the gnomAD database. This variant has not been reported in the literature in individuals affected with USH2A-related conditions. ClinVar contains an entry for this variant (Variation ID: 857584). Advanced modeling of protein sequence and biophysical properties (such as structural, functional, and spatial information, amino acid conservation, physicochemical variation, residue mobility, and thermodynamic stability) performed at Invitae indicates that this missense variant is not expected to disrupt USH2A protein function. In summary, the available evidence is currently insufficient to determine the role of this variant in disease. Therefore, it has been classified as a Variant of Uncertain Significance.

Blueprint Genetics
Classification: Uncertain significance. Last evaluated: 2019-09-05. Review status: criteria provided, single submitter. Criteria: ACMG Guidelines, 2015. Collection method: clinical testing. Allele origin: germline.

Natera, Inc.
Classification: Uncertain significance for Usher syndrome type 2A. Last evaluated: 2020-07-30. Review status: no assertion criteria provided. Collection method: clinical testing. Allele origin: germline. Not counted in ClinVar's aggregate classification.